The following is an entry in ClinVar:

ClinVar aggregate classification (germline): Likely benign. Review status: criteria provided, multiple submitters, no conflicts (2 of 4 stars). 3 submissions from 3 submitters: Likely benign (3). Last evaluated 2025-08-22.

Conditions:
Cardiovascular phenotype. Identifiers: MedGen CN230736.
Brugada syndrome. Also called: Sudden Unexplained Death Syndrome; Sudden Unexplained Nocturnal Death Syndrome (SUNDS); Sudden unexpected nocturnal death syndrome; Sudden unexplained nocturnal death syndrome. Identifiers: Orphanet 130, MedGen C1142166, MONDO:0015263.

Allele frequency attached by ClinVar (database versions not stated): gnomAD exomes 0.00002 and 0.00006; TOPMed 0.00002; ExAC 0.00004.

Submissions (3):

Labcorp Genetics (formerly Invitae), Labcorp
Classification: Likely benign for Brugada syndrome. Last evaluated: 2025-08-22. Review status: criteria provided, single submitter. Criteria: Invitae Variant Classification Sherloc (09022015). Collection method: clinical testing. Allele origin: germline.

Ambry Genetics
Classification: Likely benign for Cardiovascular phenotype. Last evaluated: 2019-06-09. Review status: criteria provided, single submitter. Criteria: Ambry Variant Classification Scheme 2023. Collection method: clinical testing. Allele origin: germline.

GeneDx
Classification: Likely benign. Last evaluated: 2017-05-01. Review status: criteria provided, single submitter. Criteria: GeneDx Variant Classification (06012015). Collection method: clinical testing. Allele origin: germline. Affected: yes.
Comment: This variant is considered likely benign or benign based on one or more of the following criteria: it is a conservative change, it occurs at a poorly conserved position in the protein, it is predicted to be benign by multiple in silico algorithms, and/or has population frequency not consistent with disease.

NM_006514.4(SCN10A):c.1914G>A (p.Leu638=)

Gene: SCN10A (sodium voltage-gated channel alpha subunit 10; minus strand). Cytogenetic location: 3p22.2.
Variant type: single nucleotide variant.
Coding change: c.1914G>A on transcript NM_006514.4 (MANE Select); coding-DNA position 1914, G replaced by A.
Protein change: p.Leu638=; no amino-acid change (leucine 638 retained).
Molecular consequence: synonymous variant.
Genome position (GRCh38, 1-based): chr3:38,742,483, C>T on the plus strand (G>A on the coding strand, the complement: SCN10A is on the minus strand). VCF-style: chr3-38742483-C-T. GRCh37 (hg19) VCF-style: chr3-38783974-C-T.
Other names: c.1914G>A, p.Leu638= (NM_001293306.2); c.1620G>A, p.Leu540= (NM_001293307.2).
Identifiers: ClinVar variation 509321 (VCV000509321.12), dbSNP rs774983974, ClinGen allele CA2320694.